The following is an entry in ClinVar:

ClinVar aggregate classification (germline): Benign/Likely benign. Review status: criteria provided, multiple submitters, no conflicts (2 of 4 stars). 6 submissions from 6 submitters: Benign (3); Likely benign (2). 1 of the submissions does not count toward it. Last evaluated 2026-07-01.

Conditions:
GABBR2-related disorder. Also called: GABBR2-related condition; GABBR2-related disorders.
Epileptic encephalopathy. Identifiers: MedGen C0543888, HP:0200134.

Allele frequency attached by ClinVar (database versions not stated): 1000 Genomes Project 0.00020; 1000 Genomes Project 30x 0.00031; gnomAD 0.00080; ExAC 0.00081; gnomAD exomes 0.00084 and 0.00093; TOPMed 0.00093; ESP Exome Variant Server 0.00115.
gnomAD v4.1: 1,362 of 1,613,668 alleles (0.084%); highest among the groups gnomAD compares: Admixed American, 0.13%; 2 homozygotes.

Submissions (6):

CeGaT Center for Human Genetics Tuebingen
Classification: Likely benign. Last evaluated: 2026-07-01. Review status: criteria provided, single submitter. Criteria: CeGaT Center For Human Genetics Tuebingen Variant Classification Criteria Version 2. Collection method: clinical testing. Allele origin: germline. Affected: yes. Observed: 9 variant alleles.
Comment: GABBR2: BP4, BP7, BS1

Labcorp Genetics (formerly Invitae), Labcorp
Classification: Benign for Epileptic encephalopathy. Last evaluated: 2026-02-01. Review status: criteria provided, single submitter. Criteria: Invitae Variant Classification Sherloc (09022015). Collection method: clinical testing. Allele origin: germline.

Blueprint Genetics
Classification: Likely benign. Last evaluated: 2024-10-29. Review status: criteria provided, single submitter. Criteria: ACMG Guidelines, 2015. Collection method: clinical testing. Allele origin: germline.

GeneDx
Classification: Benign. Last evaluated: 2019-04-09. Review status: criteria provided, single submitter. Criteria: GeneDx Variant Classification Process June 2021. Collection method: clinical testing. Allele origin: germline. Affected: yes.

Breakthrough Genomics
Classification: Benign. Review status: criteria provided, single submitter. Criteria: ACMG Guidelines, 2015. Collection method: not provided. Allele origin: germline. Inheritance: Autosomal dominant inheritance. Affected: yes.

PreventionGenetics, part of Exact Sciences
Classification: Benign for GABBR2-related condition. Last evaluated: 2019-05-31. Review status: no assertion criteria provided. Collection method: clinical testing. Allele origin: germline. Not counted in ClinVar's aggregate classification.
Comment: This variant is classified as benign based on ACMG/AMP sequence variant interpretation guidelines (Richards et al. 2015 PMID: 25741868, with internal and published modifications).

NM_005458.8(GABBR2):c.1473C>T (p.Leu491=)

Gene: GABBR2 (gamma-aminobutyric acid type B receptor subunit 2; minus strand). Cytogenetic location: 9q22.33.
Variant type: single nucleotide variant.
Coding change: c.1473C>T on transcript NM_005458.8 (MANE Select); coding-DNA position 1473, C replaced by T.
Protein change: p.Leu491=; no amino-acid change (leucine 491 retained).
Molecular consequence: synonymous variant.
Genome position (GRCh38, 1-based): chr9:98,388,910, G>A on the plus strand (C>T on the coding strand, the complement: GABBR2 is on the minus strand). VCF-style: chr9-98388910-G-A. GRCh37 (hg19) VCF-style: chr9-101151192-G-A.
Identifiers: ClinVar variation 462124 (VCV000462124.45), dbSNP rs144313756, ClinGen allele CA5152711.